The following is an entry in ClinVar:

NM_001286577.2(C2CD3):c.3160+3A>G

Gene: C2CD3 (C2 domain containing 3 centriole elongation regulator; minus strand). Cytogenetic location: 11q13.4.
Variant type: single nucleotide variant.
Coding change: c.3160+3A>G on transcript NM_001286577.2 (MANE Select); 3 bases into the intron after coding-DNA position 3160, A replaced by G.
Molecular consequence: intron variant.
Genome position (GRCh38, 1-based): chr11:74,095,225, T>C on the plus strand (A>G on the coding strand, the complement: C2CD3 is on the minus strand). VCF-style: chr11-74095225-T-C. GRCh37 (hg19) VCF-style: chr11-73806270-T-C.
Other names: c.3160+3A>G (NM_015531.6).
Identifiers: ClinVar variation 1391759 (VCV001391759.4), dbSNP rs368605500, ClinGen allele CA6182482.
Genomic context (GRCh38, chr11:74,095,225, plus strand): 5'-CTCTTAAGTATAATCTAATAAAAGAACCATATAAGAATAAGAAAGCCTAATATCTAAACC[T>C]ACCATTTTCAAGGAACTCAGGTCCTTTCAGCACACTGGATTGAGAGTGTTGAACTGGAAA-3'

ClinVar aggregate classification (germline): Uncertain significance (1 of 4 stars; one submission).

Allele frequency attached by ClinVar (database versions not stated): ExAC 0.00002.
gnomAD v4.1: 7 of 1,604,772 alleles (0.00044%); highest among the groups gnomAD compares: Admixed American, 0.0068%; no homozygotes.

Submission:

Labcorp Genetics (formerly Invitae), Labcorp
Classification: Uncertain significance. Last evaluated: 2022-12-20. Review status: criteria provided, single submitter. Criteria: Invitae Variant Classification Sherloc (09022015). Collection method: clinical testing. Allele origin: germline.
Comment: Variants that disrupt the consensus splice site are a relatively common cause of aberrant splicing (PMID: 17576681, 9536098). Algorithms developed to predict the effect of sequence changes on RNA splicing suggest that this variant is not likely to affect RNA splicing. ClinVar contains an entry for this variant (Variation ID: 1391759). This variant has not been reported in the literature in individuals affected with C2CD3-related conditions. This variant is present in population databases (rs368605500, gnomAD 0.006%). This sequence change falls in intron 17 of the C2CD3 gene. It does not directly change the encoded amino acid sequence of the C2CD3 protein. It affects a nucleotide within the consensus splice site. In summary, the available evidence is currently insufficient to determine the role of this variant in disease. Therefore, it has been classified as a Variant of Uncertain Significance.

Literature cited by the submitters: PubMed 17576681; PubMed 9536098.